The following is an entry in ClinVar:

NM_001034853.2(RPGR):c.1573-12A>G

Gene: RPGR (retinitis pigmentosa GTPase regulator; minus strand). Cytogenetic location: Xp11.4.
Variant type: single nucleotide variant.
Coding change: c.1573-12A>G on transcript NM_001034853.2 (MANE Select); 12 bases into the intron before coding-DNA position 1573, A replaced by G.
Molecular consequence: intron variant.
Genome position (GRCh38, 1-based): chrX:38,288,053, T>C on the plus strand (A>G on the coding strand, the complement: RPGR is on the minus strand). VCF-style: chrX-38288053-T-C. GRCh37 (hg19) VCF-style: chrX-38147306-T-C.
Other names: c.1569+2906A>G (NM_001367249.1, NM_001367250.1); c.1570-12A>G (NM_001367245.1); c.1386+2906A>G (NM_001367251.1); c.1387-12A>G (NM_001367246.1); c.1572+2906A>G (NM_001367247.1); c.1573-12A>G (NM_000328.3); c.1602+2906A>G (NM_001367248.1).
Identifiers: ClinVar variation 996786 (VCV000996786.5), dbSNP rs2067221066, ClinGen allele CA2424845361.

ClinVar aggregate classification (germline): Likely pathogenic. Review status: reviewed by expert panel (3 of 4 stars). 4 submissions from 4 submitters: Likely pathogenic (1). 3 of the submissions do not count toward it. Last evaluated 2026-01-25.

Conditions:
RPGR-related retinopathy. Also called: RPGR retinopathy. Identifiers: MedGen CN305589, MONDO:0100437.
Retinal dystrophy. Also called: Inherited retinal dystrophy. Identifiers: Orphanet 71862, MedGen C0854723, MeSH D058499, MONDO:0019118, HP:0000556.

Allele frequency attached by ClinVar (database versions not stated): gnomAD exomes below 0.00001.
gnomAD v4.1: 2 of 1,195,458 alleles (0.00017%); highest among the groups gnomAD compares: Non-Finnish European, 0.00023%; no homozygotes.

Submissions (4):

ClinGen X-linked Inherited Retinal Disease Variant Curation Expert Panel, ClinGen
Classification: Likely pathogenic for RPGR-related retinopathy. Last evaluated: 2026-01-25. Review status: reviewed by expert panel. Criteria: ClinGen X LinkedIRD ACMG Specifications RPGR V1.0.0. Collection method: curation. Allele origin: germline. Inheritance: X-linked inheritance.
Comment: NM_001034853.2(RPGR):c.1573-12A>G is a non-coding variant in intron 13 that is located outside the +/- 1,2 dinucleotide but is part of the same splice acceptor motif and has the same predicted impact on splice acceptor loss as another variant, NM_001034853.2(RPGR):c.1573-1G>A, that was previously classified as pathogenic by the X-linked IRD VCEP (PS1_Supporting). The splicing impact predictor SpliceAI gives delta scores of 0.77 for acceptor loss, 0.51 for acceptor gain, and 0.30 for donor loss, which are above the ClinGen X-linked IRD VCEP recommended threshold of ≥0.2 and predict a damaging impact on splicing. HEK293T cells expressing minigene constructs harboring the variant produced a band of smaller size in comparison to the wild-type control (PMID: 33467000). This disrupted splicing and induced skipping of exon 14 is expected to be deleterious to RPGR function (PVS1). This variant is present in gnomAD v.4.1.0 at a frequency of 0.000002271 among hemizygous individuals, with 1 variant allele / 880,809 total allele, which is higher than the ClinGen X-linked IRD VCEP PM2_Supporting threshold of <0.0000005 and fails to meet this criterion. At least one male proband harboring this variant exhibits a phenotype that includes visual field constriction (0.5 pts), photophobia (0.5 pts), night blindness (0.5 pts), decreased central visual acuity (0.5 pts), and bone spicule pigmentation (0.5 pts), with genotyping by whole exome sequencing that did not identify an alternative basis for retinal disease (2 pts), and scotopic and photopic electroretinograms showing residual photopic responses. In summary, this variant is classified as likely pathogenic for RPGR-related retinopathy based on the ClinGen X-linked Inherited Retinal Disease Expert Panel Specifications to the ACMG/AMP Variant Interpretation Guidelines for RPGR Version 1.0.0; PVS1 and PS1_Supporting.

Institute of Medical Genetics and Applied Genomics, University Hospital Tübingen
Classification: Likely pathogenic. Last evaluated: 2021-02-01. Review status: criteria provided, single submitter. Criteria: ACMG Guidelines, 2015. Collection method: clinical testing. Allele origin: germline. Inheritance: X-linked dominant inheritance. Affected: yes. Not counted in ClinVar's aggregate classification.

Blueprint Genetics
Classification: Likely benign. Last evaluated: 2018-10-23. Review status: criteria provided, single submitter. Criteria: ACMG Guidelines, 2015. Collection method: clinical testing. Allele origin: germline. Not counted in ClinVar's aggregate classification.

Institute of Human Genetics, Univ. Regensburg, Univ. Regensburg
Classification: Uncertain significance for Retinal dystrophy. Last evaluated: 2020-01-01. Review status: no assertion criteria provided. Criteria: ACMG Guidelines, 2015. Collection method: clinical testing. Allele origin: germline. Affected: yes. Not counted in ClinVar's aggregate classification.